The following is an entry in ClinVar:

ClinVar aggregate classification (germline): Pathogenic (1 of 4 stars; one submission).

Conditions:
Dyskeratosis congenita. Identifiers: Orphanet 1775, MedGen C0265965, MONDO:0015780.

Submission:

Ambry Genetics
Classification: Pathogenic for Dyskeratosis congenita. Last evaluated: 2026-02-24. Review status: criteria provided, single submitter. Criteria: Ambry Variant Classification Scheme 2023. Collection method: clinical testing. Allele origin: germline.
Comment: The c.1541dupT pathogenic mutation, located in coding exon 2 of the TERT gene, results from a duplication of T at nucleotide position 1541, causing a translational frameshift with a predicted alternate stop codon (p.R515Afs*24). This variant is considered to be rare based on population cohorts in the Genome Aggregation Database (gnomAD). This variant is expected to result in loss of function by premature protein truncation or nonsense-mediated mRNA decay. As such, this variant is interpreted as a disease-causing mutation.

NM_198253.3(TERT):c.1541dup (p.Arg515fs)

Gene: TERT (telomerase reverse transcriptase; minus strand). Cytogenetic location: 5p15.33.
Variant type: Duplication.
Coding change: c.1541dup on transcript NM_198253.3 (MANE Select); coding-DNA position 1541, one base duplicated (T; older notation c.1541dupT).
Protein change: p.Arg515fs; shifts the reading frame from arginine 515.
Molecular consequence: frameshift variant. On other transcripts: non-coding transcript variant (2).
Genome position (GRCh38, 1-based): chr5:1,293,345, A duplicated on the plus strand (T on the coding strand, the reverse complement: TERT is on the minus strand). VCF-style (leftmost placement, unchanged base first): chr5-1293344-C-CA. GRCh37 (hg19) VCF-style: chr5-1293459-C-CA.
Other names: c.1541dup, p.Arg515fs (NM_001193376.3); c.1541dupT (NM_198253.2); short protein forms R515fs.
Identifiers: ClinVar variation 4825593 (VCV004825593.1).